The following is an entry in ClinVar:

NM_002354.3(EPCAM):c.658-15_658-8del

Gene: EPCAM (epithelial cell adhesion molecule; plus strand). Cytogenetic location: 2p21.
Variant type: Microsatellite.
Coding change: c.658-15_658-8del on transcript NM_002354.3 (MANE Select); 15 bases into the intron before coding-DNA position 658 through 8 bases into the intron before coding-DNA position 658, 8 bases deleted (TCCTTTTC; older notation c.658-15_658-8delTCCTTTTC).
Molecular consequence: intron variant.
Genome position (GRCh38, 1-based): chr2:47,379,754-47,379,761, TCCTTTTC deleted; deleting any 8 consecutive bases within chr2:47,379,746-47,379,761 gives the same sequence; the c. name uses the placement nearest the transcript's 3' end. VCF-style (leftmost placement, unchanged base first): chr2-47379745-TTCCTTTTC-T. GRCh37 (hg19) VCF-style: chr2-47606884-TTCCTTTTC-T.
Identifiers: ClinVar variation 3764506 (VCV003764506.1).

ClinVar aggregate classification (germline): Likely benign (1 of 4 stars; one submission).

Conditions:
Hereditary cancer. Identifiers: MedGen C1333600.

Submission:

Mendelics
Classification: Likely benign for Hereditary cancer. Last evaluated: 2025-02-04. Review status: criteria provided, single submitter. Criteria: ACMG Guidelines, 2015. Collection method: clinical testing. Allele origin: unknown.
Comment: This variant is considered likely benign or benign based on one or more of the following: it is predicted to be benign by multiple in silico algorithms, and/or has population frequency not consistent with disease, and/or has normal protein function, and/or has lack of segregation with disease, and/or has been detected in co-occurrence with known pathogenic variant, and/or has lack of disease association in case-control studies, and/or is located in a region inconsistent with a known cause of pathogenicity. GnomAD Frequencey 0.00002980 /0 Homozygotes. In Silico predictors non pathogenic. Variant with frequency in internal controls.